The following is an entry in ClinVar:

ClinVar aggregate classification (germline): Uncertain significance (1 of 4 stars; one submission).

Conditions:
Cardiovascular phenotype. Identifiers: MedGen CN230736.

Allele frequency attached by ClinVar (database versions not stated): gnomAD exomes below 0.00001.
gnomAD v4.1: 1 of 1,613,636 alleles (0.000062%); highest among the groups gnomAD compares: Non-Finnish European, 0.000085%; no homozygotes.

Submission:

Ambry Genetics
Classification: Uncertain significance for Cardiovascular phenotype. Last evaluated: 2022-01-21. Review status: criteria provided, single submitter. Criteria: Ambry Variant Classification Scheme 2023. Collection method: clinical testing. Allele origin: germline.
Comment: The c.5329+1G>A intronic variant results from a G to A substitution one nucleotide after coding exon 12 of the ALPK3 gene. This alteration occurs at the 3' terminus of the ALPK3 gene, is not expected to trigger nonsense-mediated mRNA decay, and only impacts the last 10%/205 AA of the protein. The exact functional effect of this alteration is unknown. This nucleotide position is highly conserved in available vertebrate species. In silico splice site analysis predicts that this alteration will weaken the native splice donor site. Since supporting evidence is limited at this time, the clinical significance of this alteration remains unclear.

NM_020778.5(ALPK3):c.4723+1G>A

Gene: ALPK3 (alpha kinase 3; plus strand). Cytogenetic location: 15q25.3.
Variant type: single nucleotide variant.
Coding change: c.4723+1G>A on transcript NM_020778.5 (MANE Select); the canonical splice donor site of the intron after coding-DNA position 4723, G replaced by A.
Molecular consequence: splice donor variant.
Genome position (GRCh38, 1-based): chr15:84,864,666, G>A. VCF-style: chr15-84864666-G-A. GRCh37 (hg19) VCF-style: chr15-85407897-G-A.
Identifiers: ClinVar variation 1746854 (VCV001746854.2), dbSNP rs1385719535, ClinGen allele CA393365393.